The following is an entry in ClinVar:

NM_000038.6(APC):c.678G>C (p.Lys226Asn)

Gene: APC (APC regulator of Wnt signaling pathway; plus strand). Cytogenetic location: 5q22.2.
Variant type: single nucleotide variant.
Coding change: c.678G>C on transcript NM_000038.6 (MANE Select); coding-DNA position 678, G replaced by C.
Protein change: p.Lys226Asn; replaces lysine 226 with asparagine.
Molecular consequence: missense variant. On other transcripts: 5 prime UTR variant (1), intron variant (2).
Genome position (GRCh38, 1-based): chr5:112,792,478, G>C. VCF-style: chr5-112792478-G-C. GRCh37 (hg19) VCF-style: chr5-112128175-G-C.
Other names: c.678G>C, p.Lys226Asn (NM_001127510.3, NM_001354895.2, NM_001354896.2 and 1 more transcripts); c.708G>C, p.Lys236Asn (NM_001354897.2, NM_001354902.2); c.603G>C, p.Lys201Asn (NM_001354898.2, NM_001354904.2); c.501G>C, p.Lys167Asn (NM_001354900.2, NM_001354901.2, NM_001354905.2); c.-358G>C (NM_001354906.2); c.676-8801G>C (NM_001127511.3); c.646-8801G>C (NM_001354899.2); short protein forms K167N, K201N, K226N, K236N.
Identifiers: ClinVar variation 644464 (VCV000644464.10), dbSNP rs1580423756, ClinGen allele CA16022819.

ClinVar aggregate classification (germline): Uncertain significance (1 of 4 stars; one submission).

Conditions:
Familial adenomatous polyposis 1 (FAP1). Also called: FAMILIAL ADENOMATOUS POLYPOSIS 1, ATTENUATED; POLYPOSIS, ADENOMATOUS INTESTINAL. Identifiers: MedGen C2713442, MONDO:0021056, OMIM 175100. Disease mechanism: loss of function.

Submission:

Labcorp Genetics (formerly Invitae), Labcorp
Classification: Uncertain significance for Familial adenomatous polyposis 1. Last evaluated: 2025-09-09. Review status: criteria provided, single submitter. Criteria: Invitae Variant Classification Sherloc (09022015). Collection method: clinical testing. Allele origin: germline.
Comment: This sequence change replaces lysine, which is basic and polar, with asparagine, which is neutral and polar, at codon 226 of the APC protein (p.Lys226Asn). This variant is not present in population databases (gnomAD no frequency). This variant has not been reported in the literature in individuals affected with APC-related conditions. ClinVar contains an entry for this variant (Variation ID: 644464). Invitae Evidence Modeling of protein sequence and biophysical properties (such as structural, functional, and spatial information, amino acid conservation, physicochemical variation, residue mobility, and thermodynamic stability) indicates that this missense variant is not expected to disrupt APC protein function with a negative predictive value of 95%. In summary, the available evidence is currently insufficient to determine the role of this variant in disease. Therefore, it has been classified as a Variant of Uncertain Significance.